The following is an entry in ClinVar:

NM_012233.3(RAB3GAP1):c.838C>T (p.His280Tyr)

Gene: RAB3GAP1 (RAB3 GTPase activating protein catalytic subunit 1; plus strand). Cytogenetic location: 2q21.3.
Variant type: single nucleotide variant.
Coding change: c.838C>T on transcript NM_012233.3 (MANE Select); coding-DNA position 838, C replaced by T.
Protein change: p.His280Tyr; replaces histidine 280 with tyrosine.
Molecular consequence: missense variant.
Genome position (GRCh38, 1-based): chr2:135,126,188, C>T. VCF-style: chr2-135126188-C-T. GRCh37 (hg19) VCF-style: chr2-135883758-C-T.
Other names: c.838C>T, p.His280Tyr (NM_001172435.2); short protein forms H280Y.
Identifiers: ClinVar variation 1375345 (VCV001375345.6), dbSNP rs1467816092, ClinGen allele CA348568389.

ClinVar aggregate classification (germline): Uncertain significance (1 of 4 stars; one submission).

Allele frequency attached by ClinVar (database versions not stated): gnomAD exomes below 0.00001.

Submission:

Labcorp Genetics (formerly Invitae), Labcorp
Classification: Uncertain significance. Last evaluated: 2022-08-09. Review status: criteria provided, single submitter. Criteria: Invitae Variant Classification Sherloc (09022015). Collection method: clinical testing. Allele origin: germline.
Comment: This variant has not been reported in the literature in individuals affected with RAB3GAP1-related conditions. ClinVar contains an entry for this variant (Variation ID: 1375345). Algorithms developed to predict the effect of missense changes on protein structure and function are either unavailable or do not agree on the potential impact of this missense change (SIFT: "Tolerated"; PolyPhen-2: "Probably Damaging"; Align-GVGD: "Class C0"). In summary, the available evidence is currently insufficient to determine the role of this variant in disease. Therefore, it has been classified as a Variant of Uncertain Significance. This sequence change replaces histidine, which is basic and polar, with tyrosine, which is neutral and polar, at codon 280 of the RAB3GAP1 protein (p.His280Tyr). This variant is present in population databases (no rsID available, gnomAD 0.0009%).